The following is an entry in ClinVar:

NM_001130987.2(DYSF):c.797G>C (p.Gly266Ala)

Gene: DYSF (dysferlin; plus strand). Cytogenetic location: 2p13.2.
Variant type: single nucleotide variant.
Coding change: c.797G>C on transcript NM_001130987.2 (MANE Select); coding-DNA position 797, G replaced by C.
Protein change: p.Gly266Ala; replaces glycine 266 with alanine.
Molecular consequence: missense variant.
Genome position (GRCh38, 1-based): chr2:71,515,660, G>C. VCF-style: chr2-71515660-G-C. GRCh37 (hg19) VCF-style: chr2-71742790-G-C.
Other names: c.704G>C, p.Gly235Ala (NM_001130455.2, NM_001130983.2, NM_001130984.2 and 1 more transcripts); c.701G>C, p.Gly234Ala (NM_001130976.2, NM_001130977.2, NM_001130978.2 and 1 more transcripts); c.794G>C, p.Gly265Ala (NM_001130979.2, NM_001130980.2, NM_001130981.2); c.797G>C, p.Gly266Ala (NM_001130982.2, NM_001130985.2); short protein forms G234A, G235A, G265A, G266A.
Identifiers: ClinVar variation 3004417 (VCV003004417.3), dbSNP rs141497053, ClinGen allele CA347208444.

ClinVar aggregate classification (germline): Likely pathogenic (1 of 4 stars; one submission).

Conditions:
Neuromuscular disease caused by qualitative or quantitative defects of dysferlin. Also called: Qualitative or quantitative defects of dysferlin; Dysferlinopathy. Identifiers: Orphanet 207073, MedGen C2931687, MONDO:0016145.

Submission:

Labcorp Genetics (formerly Invitae), Labcorp
Classification: Likely pathogenic for Neuromuscular disease caused by qualitative or quantitative defects of dysferlin. Last evaluated: 2022-11-29. Review status: criteria provided, single submitter. Criteria: Invitae Variant Classification Sherloc (09022015). Collection method: clinical testing. Allele origin: germline.
Comment: This sequence change replaces glycine, which is neutral and non-polar, with alanine, which is neutral and non-polar, at codon 234 of the DYSF protein (p.Gly234Ala). In summary, the currently available evidence indicates that the variant is pathogenic, but additional data are needed to prove that conclusively. Therefore, this variant has been classified as Likely Pathogenic. This variant disrupts the p.Gly234 amino acid residue in DYSF. Other variant(s) that disrupt this residue have been determined to be pathogenic (PMID: 17070050, 18853459, 33610434). This suggests that this residue is clinically significant, and that variants that disrupt this residue are likely to be disease-causing. Advanced modeling of protein sequence and biophysical properties (such as structural, functional, and spatial information, amino acid conservation, physicochemical variation, residue mobility, and thermodynamic stability) performed at Invitae indicates that this missense variant is expected to disrupt DYSF protein function. This variant has not been reported in the literature in individuals affected with DYSF-related conditions. This variant is not present in population databases (gnomAD no frequency).

Literature cited by the submitters: PubMed 17070050; PubMed 18853459; PubMed 33610434.